The following is an entry in ClinVar:

NM_015629.4(PRPF31):c.1073+1G>T

Gene: PRPF31 (pre-mRNA processing factor 31; plus strand). Cytogenetic location: 19q13.42.
Variant type: single nucleotide variant.
Coding change: c.1073+1G>T on transcript NM_015629.4 (MANE Select); the canonical splice donor site of the intron after coding-DNA position 1073, G replaced by T.
Molecular consequence: splice donor variant.
Genome position (GRCh38, 1-based): chr19:54,128,201, G>T. VCF-style: chr19-54128201-G-T. GRCh37 (hg19) VCF-style: chr19-54631576-G-T.
Identifiers: ClinVar variation 4292052 (VCV004292052.1).
Genomic context (GRCh38, chr19:54,128,201, plus strand): 5'-GCAGGTGAAGCCGCTGCCTGCGCCCCTGGATGGACAGCGGAAGAAGCGAGGCGGCCGCAG[G>T]TGAGGGGCCCTGGGGGTCCGGTAGGCATGGGGGTCATGGAGGGGAGAAGCCGGCGTCCTC-3'

ClinVar aggregate classification (germline): Likely pathogenic (1 of 4 stars; one submission).

Conditions:
Retinitis pigmentosa 11 (RP11). Identifiers: Orphanet 791, MedGen C1838601, MONDO:0010828, OMIM 600138.

Submission:

3billion
Classification: Likely pathogenic for Retinitis pigmentosa 11. Last evaluated: 2024-10-18. Review status: criteria provided, single submitter. Criteria: ACMG Guidelines, 2015. Collection method: clinical testing. Allele origin: germline. Affected: yes.
Comment: The variant is observed at an extremely low frequency in the gnomAD v4.1.0 dataset (total allele frequency: <0.001%). Predicted Consequence/Location: Stop-gained (nonsense): predicted to result in a loss or disruption of normal protein function through nonsense-mediated decay (NMD) or protein truncation. Multiple pathogenic variants are reported downstream of the variant. The variant has been reported at least twice as pathogenic with clinical assertions and evidence for the classification (ClinVar ID: VCV000562248 / PMID: 9773786).Therefore, this variant is classified as Pathogenic according to the recommendation of ACMG/AMP guideline.